The following is an entry in ClinVar:

NM_017837.4(PIGV):c.856C>T (p.Arg286Trp)

Gene: PIGV (phosphatidylinositol glycan anchor biosynthesis class V; plus strand). Cytogenetic location: 1p36.11.
Variant type: single nucleotide variant.
Coding change: c.856C>T on transcript NM_017837.4 (MANE Select); coding-DNA position 856, C replaced by T.
Protein change: p.Arg286Trp; replaces arginine 286 with tryptophan.
Molecular consequence: missense variant. On other transcripts: non-coding transcript variant (1), intron variant (1).
Genome position (GRCh38, 1-based): chr1:26,794,890, C>T. VCF-style: chr1-26794890-C-T. GRCh37 (hg19) VCF-style: chr1-27121381-C-T.
Other names: c.856C>T, p.Arg286Trp (NM_001202554.2, NM_001374478.1, NM_001374480.1 and 2 more transcripts); c.475C>T, p.Arg159Trp (NM_001374483.1); c.229C>T, p.Arg77Trp (NM_001374484.1, NM_001374485.1); c.79-2673C>T (NM_001374486.1); c.856C>T (NM_017837.3); short protein forms R159W, R286W, R77W.
Identifiers: ClinVar variation 1007728 (VCV001007728.7), dbSNP rs539783121, ClinGen allele CA708131.

ClinVar aggregate classification (germline): Uncertain significance. Review status: criteria provided, multiple submitters, no conflicts (2 of 4 stars). 3 submissions from 3 submitters: Uncertain significance (3). Last evaluated 2024-09-05.

Conditions:
Inborn genetic diseases. Identifiers: MedGen C0950123, MeSH D030342.

Allele frequency attached by ClinVar (database versions not stated): ExAC 0.00002; gnomAD exomes 0.00002; gnomAD 0.00003; TOPMed 0.00005.
gnomAD v4.1: 55 of 1,614,154 alleles (0.0034%); highest among the groups gnomAD compares: Admixed American, 0.0083%; no homozygotes.

Submissions (3):

GeneDx
Classification: Uncertain significance. Last evaluated: 2024-09-05. Review status: criteria provided, single submitter. Criteria: GeneDx Variant Classification Process June 2021. Collection method: clinical testing. Allele origin: germline. Affected: yes.
Comment: Not observed at significant frequency in large population cohorts (gnomAD); In silico analysis indicates that this missense variant does not alter protein structure/function; Has not been previously published as pathogenic or benign to our knowledge

Ambry Genetics
Classification: Uncertain significance for Inborn genetic diseases. Last evaluated: 2024-02-28. Review status: criteria provided, single submitter. Criteria: Ambry Variant Classification Scheme 2023. Collection method: clinical testing. Allele origin: germline.

Labcorp Genetics (formerly Invitae), Labcorp
Classification: Uncertain significance. Last evaluated: 2022-08-10. Review status: criteria provided, single submitter. Criteria: Invitae Variant Classification Sherloc (09022015). Collection method: clinical testing. Allele origin: germline.
Comment: This sequence change replaces arginine, which is basic and polar, with tryptophan, which is neutral and slightly polar, at codon 286 of the PIGV protein (p.Arg286Trp). The frequency data for this variant in the population databases is considered unreliable, as metrics indicate poor data quality at this position in the gnomAD database. This variant has not been reported in the literature in individuals affected with PIGV-related conditions. ClinVar contains an entry for this variant (Variation ID: 1007728). Algorithms developed to predict the effect of missense changes on protein structure and function are either unavailable or do not agree on the potential impact of this missense change (SIFT: "Deleterious"; PolyPhen-2: "Probably Damaging"; Align-GVGD: "Class C0"). In summary, the available evidence is currently insufficient to determine the role of this variant in disease. Therefore, it has been classified as a Variant of Uncertain Significance.